The following is an entry in ClinVar:

ClinVar aggregate classification (germline): Uncertain significance (1 of 4 stars; one submission).

Conditions:
Inborn genetic diseases. Identifiers: MedGen C0950123, MeSH D030342.

Submission:

Ambry Genetics
Classification: Uncertain significance for Inborn genetic diseases. Last evaluated: 2021-04-23. Review status: criteria provided, single submitter. Criteria: Ambry Variant Classification Scheme 2023. Collection method: clinical testing. Allele origin: germline.
Comment: The p.K402T variant (also known as c.1205A>C), located in coding exon 13 of the KIF1A gene, results from an A to C substitution at nucleotide position 1205. The lysine at codon 402 is replaced by threonine, an amino acid with similar properties. This amino acid position is well conserved in available vertebrate species; however, threonine is the reference amino acid in other vertebrate species. In addition, this alteration is predicted to be tolerated by in silico analysis. Since supporting evidence is limited at this time, the clinical significance of this alteration remains unclear.

NM_001244008.2(KIF1A):c.1205A>C (p.Lys402Thr)

Gene: KIF1A (kinesin family member 1A; minus strand). Cytogenetic location: 2q37.3.
Variant type: single nucleotide variant.
Coding change: c.1205A>C on transcript NM_001244008.2 (MANE Select); coding-DNA position 1205, A replaced by C.
Protein change: p.Lys402Thr; replaces lysine 402 with threonine.
Molecular consequence: missense variant. On other transcripts: intron variant (15).
Genome position (GRCh38, 1-based): chr2:240,772,572, T>G on the plus strand (A>C on the coding strand, the complement: KIF1A is on the minus strand). VCF-style: chr2-240772572-T-G. GRCh37 (hg19) VCF-style: chr2-241711989-T-G.
Other names: c.1205A>C, p.Lys402Thr (NM_001320705.2, NM_001330289.2, NM_001330290.2 and 5 more transcripts); c.1180+542A>C (NM_001379653.1, NM_001379650.1, NM_001379645.1 and 12 more transcripts); short protein forms K402T.
Identifiers: ClinVar variation 1748544 (VCV001748544.2), dbSNP rs1361863998, ClinGen allele CA351294299.
Genomic context (GRCh38, chr2:240,772,572, plus strand): 5'-CCTCATGCTGGCTGGGGCTGGAAGCAGAGATGCAGAGAGCAGCAAAGGGAATACACACAT[T>G]TGGGTCCTCCAGGCACAGTGTTGGCTATGGGGGAGGGAAGCGTGGGGGAGGGGGAGAGAC-3'
Protein context (NP_001230937.1, residues 392-412): TDTNTVPGGP[Lys402Thr]LTNALVGMSP